The following is an entry in ClinVar:

NM_001378452.1(ITPR1):c.65C>T (p.Ser22Leu)

Gene: ITPR1 (inositol 1,4,5-trisphosphate receptor type 1; plus strand). Cytogenetic location: 3p26.1.
Variant type: single nucleotide variant.
Coding change: c.65C>T on transcript NM_001378452.1 (MANE Select); coding-DNA position 65, C replaced by T.
Protein change: p.Ser22Leu; replaces serine 22 with leucine.
Molecular consequence: missense variant.
Genome position (GRCh38, 1-based): chr3:4,516,556, C>T. VCF-style: chr3-4516556-C-T. GRCh37 (hg19) VCF-style: chr3-4558240-C-T.
Other names: c.65C>T, p.Ser22Leu (NM_001099952.4, NM_001168272.2, NM_002222.7); short protein forms S22L.
Identifiers: ClinVar variation 2446108 (VCV002446108.1), dbSNP rs1193112999, ClinGen allele CA351793954.

ClinVar aggregate classification (germline): Uncertain significance (1 of 4 stars; one submission).

Allele frequency attached by ClinVar (database versions not stated): gnomAD exomes below 0.00001; TOPMed below 0.00001; gnomAD 0.00001.
gnomAD v4.1: 3 of 1,603,456 alleles (0.00019%); highest among the groups gnomAD compares: Non-Finnish European, 0.00026%; no homozygotes.

Submission:

GeneDx
Classification: Uncertain significance. Last evaluated: 2022-09-22. Review status: criteria provided, single submitter. Criteria: GeneDx Variant Classification Process June 2021. Collection method: clinical testing. Allele origin: germline. Affected: yes.
Comment: In silico analysis supports that this missense variant has a deleterious effect on protein structure/function; Has not been previously published as pathogenic or benign to our knowledge